The following is an entry in ClinVar:

NM_021625.5(TRPV4):c.1659-90C>T

Gene: TRPV4 (transient receptor potential cation channel subfamily V member 4; minus strand). Cytogenetic location: 12q24.11.
Variant type: single nucleotide variant.
Coding change: c.1659-90C>T on transcript NM_021625.5 (MANE Select); 90 bases into the intron before coding-DNA position 1659, C replaced by T.
Molecular consequence: intron variant.
Genome position (GRCh38, 1-based): chr12:109,792,907, G>A on the plus strand (C>T on the coding strand, the complement: TRPV4 is on the minus strand). VCF-style: chr12-109792907-G-A. GRCh37 (hg19) VCF-style: chr12-110230712-G-A.
Other names: c.1338-90C>T (NM_001177433.1); c.1518-90C>T (NM_001177428.1); c.1479-90C>T (NM_147204.2); c.1557-90C>T (NM_001177431.1).
Identifiers: ClinVar variation 672714 (VCV000672714.2), dbSNP rs56186049, ClinGen allele CA13695949.

ClinVar aggregate classification (germline): Benign. Review status: criteria provided, multiple submitters, no conflicts (2 of 4 stars). 2 submissions from 2 submitters: Benign (2). Last evaluated 2018-06-19.

Allele frequency attached by ClinVar (database versions not stated): TOPMed 0.14881; gnomAD exomes 0.15333; 1000 Genomes Project 0.18131; 1000 Genomes Project 30x 0.18270; gnomAD 0.14432 and 0.14796.

Submissions (2):

GeneDx
Classification: Benign. Last evaluated: 2018-06-19. Review status: criteria provided, single submitter. Criteria: GeneDx Variant Classification (06012015). Collection method: clinical testing. Allele origin: germline. Affected: yes.
Comment: This variant is considered likely benign or benign based on one or more of the following criteria: it is a conservative change, it occurs at a poorly conserved position in the protein, it is predicted to be benign by multiple in silico algorithms, and/or has population frequency not consistent with disease.

Breakthrough Genomics
Classification: Benign. Review status: criteria provided, single submitter. Criteria: ACMG Guidelines, 2015. Collection method: not provided. Allele origin: germline. Inheritance: Autosomal dominant inheritance. Affected: yes.